The following is an entry in ClinVar:

ClinVar aggregate classification (germline): Likely pathogenic (1 of 4 stars; one submission).

Conditions:
Mucopolysaccharidosis, MPS-III-D (MPS3D). Also called: N-ACETYLGLUCOSAMINE-6-SULFATASE DEFICIENCY; SANFILIPPO SYNDROME D; MPS III D; Mucopoly-saccharidosis type 3D; N-acetylglucosamine-6-sulfate sulfatase deficiency; MPS 3D. Identifiers: Orphanet 581, Orphanet 79272, MedGen C0086650, MONDO:0009658, OMIM 252940.

Submission:

Labcorp Genetics (formerly Invitae), Labcorp
Classification: Likely pathogenic for Mucopolysaccharidosis, MPS-III-D. Last evaluated: 2019-11-01. Review status: criteria provided, single submitter. Criteria: Invitae Variant Classification Sherloc (09022015). Collection method: clinical testing. Allele origin: unknown.
Comment: In summary, the currently available evidence indicates that the variant is pathogenic, but additional data are needed to prove that conclusively. Therefore, this variant has been classified as Likely Pathogenic. A similar variant has been observed in individual(s) with mucopolysaccharidosis (PMID: 20232353). This variant results in the deletion of exons 10-14 and part of exon 9 (c.1046_*16210delinsTACAGCTTT) of the GNS gene. While this deletion is not anticipated to result in nonsense mediated decay, it is expected to create a truncated protein product or disrupt mRNA translation.

Literature cited by the submitters: PubMed 20232353.

NC_000012.11:g.(?_65094311)_(65130836_?)del

Gene: GNS (glucosamine (N-acetyl)-6-sulfatase; minus strand). Cytogenetic location: 12q14.2-14.3.
Variant type: Deletion.
Identifiers: ClinVar variation 3244247 (VCV003244247.1).